The following is an entry in ClinVar:

ClinVar aggregate classification (germline): Uncertain significance (1 of 4 stars; one submission).

gnomAD v4.1: 5 of 1,385,458 alleles (0.00036%); highest among the groups gnomAD compares: Non-Finnish European, 0.00028%; no homozygotes.

Submission:

Labcorp Genetics (formerly Invitae), Labcorp
Classification: Uncertain significance. Last evaluated: 2025-05-30. Review status: criteria provided, single submitter. Criteria: Invitae Variant Classification Sherloc (09022015). Collection method: clinical testing. Allele origin: germline.
Comment: This sequence change replaces glycine, which is neutral and non-polar, with aspartic acid, which is acidic and polar, at codon 17 of the STUB1 protein (p.Gly17Asp). This variant is not present in population databases (gnomAD no frequency). This variant has not been reported in the literature in individuals affected with STUB1-related conditions. Experimental studies and prediction algorithms are not available or were not evaluated, and the functional significance of this variant is currently unknown. In summary, the available evidence is currently insufficient to determine the role of this variant in disease. Therefore, it has been classified as a Variant of Uncertain Significance.

NM_005861.4(STUB1):c.50G>A (p.Gly17Asp)

Gene: STUB1 (STIP1 homology and U-box containing protein 1; plus strand). Cytogenetic location: 16p13.3.
Variant type: single nucleotide variant.
Coding change: c.50G>A on transcript NM_005861.4 (MANE Select); coding-DNA position 50, G replaced by A.
Protein change: p.Gly17Asp; replaces glycine 17 with aspartic acid.
Molecular consequence: missense variant. On other transcripts: 5 prime UTR variant (1).
Genome position (GRCh38, 1-based): chr16:680,575, G>A. VCF-style: chr16-680575-G-A. GRCh37 (hg19) VCF-style: chr16-730575-G-A.
Other names: c.-256G>A (NM_001293197.2); short protein forms G17D.
Identifiers: ClinVar variation 4695776 (VCV004695776.1).
Genomic context (GRCh38, chr16:680,575, plus strand): 5'-CGCGCGGCGCCATGAAGGGCAAGGAGGAGAAGGAGGGCGGCGCACGGCTGGGCGCTGGCG[G>A]CGGAAGCCCCGAGAAGAGCCCGAGCGCGCAGGAGCTCAAGGAGCAGGGCAATCGTCTGTT-3'
Protein context (NP_005852.2, residues 7-27): KEGGARLGAG[Gly17Asp]GSPEKSPSAQ